The following is an entry in ClinVar:

ClinVar aggregate classification (germline): Uncertain significance (1 of 4 stars; one submission).

Conditions:
Inborn genetic diseases. Identifiers: MedGen C0950123, MeSH D030342.

gnomAD v4.1: 1 of 1,612,728 alleles (0.000062%); highest among the groups gnomAD compares: Non-Finnish European, 0.000085%; no homozygotes.

Submission:

Ambry Genetics
Classification: Uncertain significance for Inborn genetic diseases. Last evaluated: 2024-12-20. Review status: criteria provided, single submitter. Criteria: Ambry Variant Classification Scheme 2023. Collection method: clinical testing. Allele origin: germline.
Comment: The p.V1244A variant (also known as c.3731T>C), located in coding exon 25 of the ANKRD26 gene, results from a T to C substitution at nucleotide position 3731. The valine at codon 1244 is replaced by alanine, an amino acid with similar properties. This amino acid position is conserved. In addition, this alteration is predicted to be tolerated by in silico analysis. Based on the available evidence, the clinical significance of this variant remains unclear.

NM_014915.3(ANKRD26):c.3731T>C (p.Val1244Ala)

Gene: ANKRD26 (ankyrin repeat domain containing 26; minus strand). Cytogenetic location: 10p12.1.
Variant type: single nucleotide variant.
Coding change: c.3731T>C on transcript NM_014915.3 (MANE Select); coding-DNA position 3731, T replaced by C.
Protein change: p.Val1244Ala; replaces valine 1244 with alanine.
Molecular consequence: missense variant.
Genome position (GRCh38, 1-based): chr10:27,033,301, A>G on the plus strand (T>C on the coding strand, the complement: ANKRD26 is on the minus strand). VCF-style: chr10-27033301-A-G. GRCh37 (hg19) VCF-style: chr10-27322230-A-G.
Other names: c.3728T>C, p.Val1243Ala (NM_001256053.2); short protein forms V1243A, V1244A.
Identifiers: ClinVar variation 3869495 (VCV003869495.1).
Genomic context (GRCh38, chr10:27,033,301, plus strand): 5'-CCTAATTTCTTCTTTAAATCCTGTGTCTCATCTTCTAAATTAATACGATAACGTGACGTA[A>G]CCTCCAGTGAAGCCTCTGACATAGATTGTTTTTTTAGGGTATCAGCTAGTTCTTGTTGAA-3'
Protein context (NP_055730.2, residues 1234-1254): KQSMSEASLE[Val1244Ala]TSRYRINLED